The following is an entry in ClinVar:

ClinVar aggregate classification (germline): Benign (3 of 4 stars; one submission).

Conditions:
Breast-ovarian cancer, familial, susceptibility to, 2 (BROVCA2). Also called: BRCA2 Hereditary Breast and Ovarian Cancer. Identifiers: Orphanet 145, MedGen C2675520, MONDO:0012933, OMIM 612555. Disease mechanism: loss of function.

Submission:

Evidence-based Network for the Interpretation of Germline Mutant Alleles (ENIGMA)
Classification: Benign for Breast-ovarian cancer, familial, susceptibility to, 2. Last evaluated: 2016-09-28. Review status: reviewed by expert panel. Criteria: ENIGMA BRCA1/2 Classification Criteria (2015). Collection method: curation. Allele origin: germline.
Comment: Class 1 not pathogenic based on frequency >1% in an outbred sampleset. Frequency 0.0242 (African), derived from 1000 genomes (2013-05-02).

NM_000059.4(BRCA2):c.7007+847dup

Gene: BRCA2 (BRCA2 DNA repair associated; plus strand). Cytogenetic location: 13q13.1.
Variant type: Duplication.
Coding change: c.7007+847dup on transcript NM_000059.4 (MANE Select); 847 bases into the intron after coding-DNA position 7007, one base duplicated (T; older notation c.7007+847dupT).
Molecular consequence: intron variant.
Genome position (GRCh38, 1-based): chr13:32,347,743, T duplicated; the last of 9 consecutive T bases (chr13:32,347,735-32,347,743); duplicating any one gives the same sequence. VCF-style (leftmost placement, unchanged base first): chr13-32347734-A-AT. GRCh37 (hg19) VCF-style: chr13-32921871-A-AT.
Identifiers: ClinVar variation 264963 (VCV000264963.1), dbSNP rs552521179, ClinGen allele CA10588108.